The following is an entry in ClinVar:

NM_001035.3(RYR2):c.12026A>G (p.Asn4009Ser)

Gene: RYR2 (ryanodine receptor 2; plus strand). Cytogenetic location: 1q43.
Variant type: single nucleotide variant.
Coding change: c.12026A>G on transcript NM_001035.3 (MANE Select); coding-DNA position 12026, A replaced by G.
Protein change: p.Asn4009Ser; replaces asparagine 4009 with serine.
Molecular consequence: missense variant.
Genome position (GRCh38, 1-based): chr1:237,783,738, A>G. VCF-style: chr1-237783738-A-G. GRCh37 (hg19) VCF-style: chr1-237947038-A-G.
Other names: short protein forms N4009S.
Identifiers: ClinVar variation 1054906 (VCV001054906.10), dbSNP rs1396528117, ClinGen allele CA345411920.

ClinVar aggregate classification (germline): Uncertain significance (1 of 4 stars; one submission).

Conditions:
Catecholaminergic polymorphic ventricular tachycardia 1. Also called: VENTRICULAR TACHYCARDIA, STRESS-INDUCED POLYMORPHIC 1; VENTRICULAR TACHYCARDIA, CATECHOLAMINERGIC POLYMORPHIC, 1, WITH OR WITHOUT ATRIAL DYSFUNCTION AND/OR DILATED CARDIOMYOPATHY; RYR2-Related Catecholaminergic Polymorphic Ventricular Tachycardia. Identifiers: Orphanet 3286, MedGen C1631597, MONDO:0011484, OMIM 604772.

Allele frequency attached by ClinVar (database versions not stated): gnomAD exomes below 0.00001.

Submission:

Labcorp Genetics (formerly Invitae), Labcorp
Classification: Uncertain significance for Catecholaminergic polymorphic ventricular tachycardia 1. Last evaluated: 2020-10-15. Review status: criteria provided, single submitter. Criteria: Invitae Variant Classification Sherloc (09022015). Collection method: clinical testing. Allele origin: germline.
Comment: In summary, the available evidence is currently insufficient to determine the role of this variant in disease. Therefore, it has been classified as a Variant of Uncertain Significance. Algorithms developed to predict the effect of sequence changes on RNA splicing suggest that this variant may create or strengthen a splice site, but this prediction has not been confirmed by published transcriptional studies. Algorithms developed to predict the effect of missense changes on protein structure and function (SIFT, PolyPhen-2, Align-GVGD) all suggest that this variant is likely to be disruptive, but these predictions have not been confirmed by published functional studies and their clinical significance is uncertain. This variant has not been reported in the literature in individuals with RYR2-related conditions. This variant is not present in population databases (ExAC no frequency). This sequence change replaces asparagine with serine at codon 4009 of the RYR2 protein (p.Asn4009Ser). The asparagine residue is highly conserved and there is a small physicochemical difference between asparagine and serine.